The following is an entry in ClinVar:

ClinVar aggregate classification (germline): Uncertain significance. Review status: criteria provided, multiple submitters, no conflicts (2 of 4 stars). 2 submissions from 2 submitters: Uncertain significance (2). Last evaluated 2026-04-22.

Allele frequency attached by ClinVar (database versions not stated): gnomAD exomes below 0.00001.
gnomAD v4.1: 2 of 1,611,616 alleles (0.00012%); highest among the groups gnomAD compares: Non-Finnish European, 0.00017%; no homozygotes.

Submissions (2):

GeneDx
Classification: Uncertain significance. Last evaluated: 2026-04-22. Review status: criteria provided, single submitter. Criteria: GeneDx Variant Classification Process June 2021. Collection method: clinical testing. Allele origin: germline.
Comment: Not observed at significant frequency in large population cohorts (gnomAD); In silico analysis supports that this missense variant has a deleterious effect on protein structure/function; Has not been previously published as pathogenic or benign to our knowledge

Labcorp Genetics (formerly Invitae), Labcorp
Classification: Uncertain significance. Last evaluated: 2022-01-06. Review status: criteria provided, single submitter. Criteria: Invitae Variant Classification Sherloc (09022015). Collection method: clinical testing. Allele origin: germline.
Comment: This sequence change replaces arginine, which is basic and polar, with cysteine, which is neutral and slightly polar, at codon 990 of the SLC12A6 protein (p.Arg990Cys). This variant is not present in population databases (gnomAD no frequency). This variant has not been reported in the literature in individuals affected with SLC12A6-related conditions. Advanced modeling of protein sequence and biophysical properties (such as structural, functional, and spatial information, amino acid conservation, physicochemical variation, residue mobility, and thermodynamic stability) performed at Invitae indicates that this missense variant is expected to disrupt SLC12A6 protein function. In summary, the available evidence is currently insufficient to determine the role of this variant in disease. Therefore, it has been classified as a Variant of Uncertain Significance.

NM_001365088.1(SLC12A6):c.2968C>T (p.Arg990Cys)

Gene: SLC12A6 (solute carrier family 12 member 6; minus strand). Cytogenetic location: 15q14.
Variant type: single nucleotide variant.
Coding change: c.2968C>T on transcript NM_001365088.1 (MANE Select); coding-DNA position 2968, C replaced by T.
Protein change: p.Arg990Cys; replaces arginine 990 with cysteine.
Molecular consequence: missense variant.
Genome position (GRCh38, 1-based): chr15:34,236,782, G>A on the plus strand (C>T on the coding strand, the complement: SLC12A6 is on the minus strand). VCF-style: chr15-34236782-G-A. GRCh37 (hg19) VCF-style: chr15-34528983-G-A.
Other names: c.2791C>T, p.Arg931Cys (NM_001042494.2, NM_001042495.2); c.2941C>T, p.Arg981Cys (NM_001042496.2); c.2923C>T, p.Arg975Cys (NM_001042497.2); c.2815C>T, p.Arg939Cys (NM_005135.2); c.2968C>T, p.Arg990Cys (NM_133647.2); short protein forms R939C, R990C, R975C, R931C, R981C.
Identifiers: ClinVar variation 1953738 (VCV001953738.3), dbSNP rs2140641513, ClinGen allele CA391618021.